The following is an entry in ClinVar:

ClinVar aggregate classification (germline): Uncertain significance (1 of 4 stars; one submission).

Submission:

Labcorp Genetics (formerly Invitae), Labcorp
Classification: Uncertain significance. Last evaluated: 2022-07-25. Review status: criteria provided, single submitter. Criteria: Invitae Variant Classification Sherloc (09022015). Collection method: clinical testing. Allele origin: germline.
Comment: This variant is not present in population databases (gnomAD no frequency). This sequence change replaces lysine, which is basic and polar, with glutamine, which is neutral and polar, at codon 442 of the TTBK2 protein (p.Lys442Gln). This variant has not been reported in the literature in individuals affected with TTBK2-related conditions. Algorithms developed to predict the effect of missense changes on protein structure and function are either unavailable or do not agree on the potential impact of this missense change (SIFT: "Deleterious"; PolyPhen-2: "Possibly Damaging"; Align-GVGD: "Class C0"). In summary, the available evidence is currently insufficient to determine the role of this variant in disease. Therefore, it has been classified as a Variant of Uncertain Significance.

NM_173500.4(TTBK2):c.1324A>C (p.Lys442Gln)

Gene: TTBK2 (tau tubulin kinase 2; minus strand). Cytogenetic location: 15q15.2.
Variant type: single nucleotide variant.
Coding change: c.1324A>C on transcript NM_173500.4 (MANE Select); coding-DNA position 1324, A replaced by C.
Protein change: p.Lys442Gln; replaces lysine 442 with glutamine.
Molecular consequence: missense variant.
Genome position (GRCh38, 1-based): chr15:42,777,116, T>G on the plus strand (A>C on the coding strand, the complement: TTBK2 is on the minus strand). VCF-style: chr15-42777116-T-G. GRCh37 (hg19) VCF-style: chr15-43069314-T-G.
Other names: short protein forms K442Q.
Identifiers: ClinVar variation 2178500 (VCV002178500.4), dbSNP rs2506563196, ClinGen allele CA392015360.